The following is an entry in ClinVar:

ClinVar aggregate classification (germline): Likely benign (0 of 4 stars; one submission).

Conditions:
DISC1-related disorder. Also called: DISC1-related condition.

Allele frequency attached by ClinVar (database versions not stated): 1000 Genomes Project 0.00040; ExAC 0.00085; 1000 Genomes Project 30x 0.00141; TOPMed 0.00269; gnomAD 0.00278; gnomAD exomes 0.00394.
gnomAD v4.1: 5,646 of 1,502,518 alleles (0.38%); highest among the groups gnomAD compares: Non-Finnish European, 0.46%; 11 homozygotes.

Submission:

PreventionGenetics, part of Exact Sciences
Classification: Likely benign for DISC1-related condition. Last evaluated: 2021-01-12. Review status: no assertion criteria provided. Collection method: clinical testing. Allele origin: germline.
Comment: This variant is classified as likely benign based on ACMG/AMP sequence variant interpretation guidelines (Richards et al. 2015 PMID: 25741868, with internal and published modifications).

NM_018662.3(DISC1):c.38C>G (p.Ala13Gly)

Genes: DISC1 (DISC1 scaffold protein; plus strand), TSNAX-DISC1 (TSNAX-DISC1 readthrough (NMD candidate); plus strand), LOC129932771 (ATAC-STARR-seq lymphoblastoid silent region 1954; plus strand). Cytogenetic location: 1q42.2.
Variant type: single nucleotide variant.
Coding change: c.38C>G on transcript NM_018662.3 (MANE Select); coding-DNA position 38, C replaced by G.
Protein change: p.Ala13Gly; replaces alanine 13 with glycine.
Molecular consequence: missense variant.
Genome position (GRCh38, 1-based): chr1:231,626,905, C>G. VCF-style: chr1-231626905-C-G. GRCh37 (hg19) VCF-style: chr1-231762651-C-G.
Other names: c.38C>G, p.Ala13Gly (NM_001012957.2, NM_001012958.2, NM_001012959.2 and 19 more transcripts); short protein forms A13G.
Identifiers: ClinVar variation 3055850 (VCV003055850.2), dbSNP rs79978593, ClinGen allele CA1453506.